The following is an entry in ClinVar:

ClinVar aggregate classification (germline): Uncertain significance. Review status: criteria provided, multiple submitters, no conflicts (2 of 4 stars). 2 submissions from 2 submitters: Uncertain significance (2). Last evaluated 2025-03-08.

Conditions:
CFAP418-related disorder. Also called: CFAP418-related condition.

Submissions (2):

PreventionGenetics, part of Exact Sciences
Classification: Uncertain significance for CFAP418-related condition. Last evaluated: 2025-03-08. Review status: criteria provided, single submitter. Criteria: ACMG Guidelines, 2015. Collection method: clinical testing. Allele origin: germline.
Comment: The CFAP418 c.602G>A variant is predicted to result in the amino acid substitution p.Arg201His. To our knowledge, this variant has not been reported in the literature. This variant is reported in 0.030% of alleles in individuals of East Asian descent in gnomAD. At this time, the clinical significance of this variant is uncertain due to the absence of conclusive functional and genetic evidence.

Labcorp Genetics (formerly Invitae), Labcorp
Classification: Uncertain significance. Last evaluated: 2024-10-29. Review status: criteria provided, single submitter. Criteria: Invitae Variant Classification Sherloc (09022015). Collection method: clinical testing. Allele origin: germline.
Comment: This sequence change replaces arginine, which is basic and polar, with histidine, which is basic and polar, at codon 201 of the C8orf37 protein (p.Arg201His). This variant is present in population databases (rs115660509, gnomAD 0.03%). This variant has not been reported in the literature in individuals affected with C8orf37-related conditions. ClinVar contains an entry for this variant (Variation ID: 1917411). An algorithm developed to predict the effect of missense changes on protein structure and function (PolyPhen-2) suggests that this variant is likely to be disruptive. In summary, the available evidence is currently insufficient to determine the role of this variant in disease. Therefore, it has been classified as a Variant of Uncertain Significance.

NM_177965.4(CFAP418):c.602G>A (p.Arg201His)

Gene: CFAP418 (cilia and flagella associated protein 418; minus strand). Cytogenetic location: 8q22.1.
Variant type: single nucleotide variant.
Coding change: c.602G>A on transcript NM_177965.4 (MANE Select); coding-DNA position 602, G replaced by A.
Protein change: p.Arg201His; replaces arginine 201 with histidine.
Molecular consequence: missense variant.
Genome position (GRCh38, 1-based): chr8:95,247,639, C>T on the plus strand (G>A on the coding strand, the complement: CFAP418 is on the minus strand). VCF-style: chr8-95247639-C-T. GRCh37 (hg19) VCF-style: chr8-96259867-C-T.
Other names: c.602G>A (NM_177965.3); c.506G>A, p.Arg169His (NM_001363260.1); short protein forms R169H, R201H.
Identifiers: ClinVar variation 1917411 (VCV001917411.6), dbSNP rs115660509, ClinGen allele CA4815104.
Genomic context (GRCh38, chr8:95,247,639, plus strand): 5'-CTCATGGATGCATCTGTCCGAATGTGCAGTCTGCATTCTTAATGTTTACCACAAACCCAG[C>T]GAAGCTGATGATCTGTCTGAAGGTCAGTCACTTCTTCAATAGTTCTCCAGCTACACTGGC-3'
Protein context (NP_808880.1, residues 191-207): VTDLQTDHQL[Arg201His]WVCGKH